The following is an entry in ClinVar:

NM_002227.4(JAK1):c.2205C>G (p.Ile735Met)

Gene: JAK1 (Janus kinase 1; minus strand). Cytogenetic location: 1p31.3.
Variant type: single nucleotide variant.
Coding change: c.2205C>G on transcript NM_002227.4 (MANE Select); coding-DNA position 2205, C replaced by G.
Protein change: p.Ile735Met; replaces isoleucine 735 with methionine.
Molecular consequence: missense variant.
Genome position (GRCh38, 1-based): chr1:64,844,800, G>C on the plus strand (C>G on the coding strand, the complement: JAK1 is on the minus strand). VCF-style: chr1-64844800-G-C. GRCh37 (hg19) VCF-style: chr1-65310483-G-C.
Other names: c.2205C>G (NM_002227.2); c.2205C>G, p.Ile735Met (NM_001320923.2, NM_001321852.2, NM_001321853.2 and 3 more transcripts); c.2202C>G, p.Ile734Met (NM_001321857.2); short protein forms I735M, I734M.
Identifiers: ClinVar variation 1430672 (VCV001430672.7), dbSNP rs751933525, ClinGen allele CA892727.
Genomic context (GRCh38, chr1:64,844,800, plus strand): 5'-GAGGGGAGACACACCTTGCCTAGACAGCACCGTAATGGGGATGCCGGGGTCACTGAGCTT[G>C]ATGAATGGGCCACACTCACTGTCGATGCCCTCACGGGCCAGGAGGAGGTTTTTAGTACAC-3'
Protein context (NP_002218.2, residues 725-745): EGIDSECGPF[Ile735Met]KLSDPGIPIT

ClinVar aggregate classification (germline): Uncertain significance. Review status: criteria provided, multiple submitters, no conflicts (2 of 4 stars). 2 submissions from 2 submitters: Uncertain significance (2). Last evaluated 2025-10-09.

Conditions:
Inborn genetic diseases. Identifiers: MedGen C0950123, MeSH D030342.

Allele frequency attached by ClinVar (database versions not stated): gnomAD 0.00001; TOPMed 0.00002; ExAC 0.00003.
gnomAD v4.1: 15 of 1,614,086 alleles (0.00093%); highest among the groups gnomAD compares: Admixed American, 0.0067%; no homozygotes.

Submissions (2):

Labcorp Genetics (formerly Invitae), Labcorp
Classification: Uncertain significance. Last evaluated: 2025-10-09. Review status: criteria provided, single submitter. Criteria: Invitae Variant Classification Sherloc (09022015). Collection method: clinical testing. Allele origin: germline.
Comment: This sequence change replaces isoleucine, which is neutral and non-polar, with methionine, which is neutral and non-polar, at codon 735 of the JAK1 protein (p.Ile735Met). This variant is present in population databases (rs751933525, gnomAD 0.009%). This variant has not been reported in the literature in individuals affected with JAK1-related conditions. ClinVar contains an entry for this variant (Variation ID: 1430672). Invitae Evidence Modeling of protein sequence and biophysical properties (such as structural, functional, and spatial information, amino acid conservation, physicochemical variation, residue mobility, and thermodynamic stability) indicates that this missense variant is expected to disrupt JAK1 protein function with a positive predictive value of 80%. In summary, the available evidence is currently insufficient to determine the role of this variant in disease. Therefore, it has been classified as a Variant of Uncertain Significance.

Ambry Genetics
Classification: Uncertain significance for Inborn genetic diseases. Last evaluated: 2025-08-25. Review status: criteria provided, single submitter. Criteria: Ambry Variant Classification Scheme 2023. Collection method: clinical testing. Allele origin: germline.